The following is an entry in ClinVar:

NM_013382.7(POMT2):c.836T>A (p.Leu279Gln)

Gene: POMT2 (protein O-mannosyltransferase 2; minus strand). Cytogenetic location: 14q24.3.
Variant type: single nucleotide variant.
Coding change: c.836T>A on transcript NM_013382.7 (MANE Select); coding-DNA position 836, T replaced by A.
Protein change: p.Leu279Gln; replaces leucine 279 with glutamine.
Molecular consequence: missense variant.
Genome position (GRCh38, 1-based): chr14:77,299,542, A>T on the plus strand (T>A on the coding strand, the complement: POMT2 is on the minus strand). VCF-style: chr14-77299542-A-T. GRCh37 (hg19) VCF-style: chr14-77765885-A-T.
Other names: short protein forms L279Q.
Identifiers: ClinVar variation 943691 (VCV000943691.10), dbSNP rs1890946815, ClinGen allele CA390520018.

ClinVar aggregate classification (germline): Uncertain significance (1 of 4 stars; one submission).

Conditions:
Muscular dystrophy-dystroglycanopathy (congenital with brain and eye anomalies), type A2. Also called: MUSCULAR DYSTROPHY-DYSTROGLYCANOPATHY (CONGENITAL WITH BRAIN AND EYE ANOMALIES), TYPE A, 2; WALKER-WARBURG SYNDROME OR MUSCLE-EYE-BRAIN DISEASE, POMT2-RELATED. Identifiers: Orphanet 588, Orphanet 899, MedGen C3150411, MONDO:0013154, OMIM 613150.
Muscular dystrophy-dystroglycanopathy (congenital with impaired intellectual development), type B, 2. Also called: Muscular dystrophy-dystroglycanopathy (congenital with intellectual disability), type B2; MUSCULAR DYSTROPHY, CONGENITAL, POMT2-RELATED. Identifiers: MedGen C3150416, MONDO:0013160, OMIM 613156.
Autosomal recessive limb-girdle muscular dystrophy type 2N. Also called: Muscular dystrophy-dystroglycanopathy (limb-girdle), type C, 2; MUSCULAR DYSTROPHY-DYSTROGLYCANOPATHY, LIMB-GIRDLE, POMT2-RELATED. Identifiers: Orphanet 206559, MedGen C3150418, MONDO:0013162, OMIM 613158.

Submission:

Labcorp Genetics (formerly Invitae), Labcorp
Classification: Uncertain significance for Muscular dystrophy-dystroglycanopathy (congenital with impaired intellectual development), type B, 2; Muscular dystrophy-dystroglycanopathy (congenital with brain and eye anomalies), type A2; Autosomal recessive limb-girdle muscular dystrophy type 2N. Last evaluated: 2019-09-28. Review status: criteria provided, single submitter. Criteria: Invitae Variant Classification Sherloc (09022015). Collection method: clinical testing. Allele origin: germline.
Comment: This sequence change replaces leucine with glutamine at codon 279 of the POMT2 protein (p.Leu279Gln). The leucine residue is highly conserved and there is a moderate physicochemical difference between leucine and glutamine. In summary, the available evidence is currently insufficient to determine the role of this variant in disease. Therefore, it has been classified as a Variant of Uncertain Significance. Algorithms developed to predict the effect of missense changes on protein structure and function (SIFT, PolyPhen-2, Align-GVGD) all suggest that this variant is likely to be disruptive, but these predictions have not been confirmed by published functional studies and their clinical significance is uncertain. This variant has not been reported in the literature in individuals with POMT2-related conditions. This variant is not present in population databases (ExAC no frequency).